The following is an entry in ClinVar:

NM_006086.4(TUBB3):c.1261G>A (p.Glu421Lys)

Gene: TUBB3 (tubulin beta 3 class III; plus strand). Cytogenetic location: 16q24.3.
Variant type: single nucleotide variant.
Coding change: c.1261G>A on transcript NM_006086.4 (MANE Select); coding-DNA position 1261, G replaced by A.
Protein change: p.Glu421Lys; replaces glutamic acid 421 with lysine.
Molecular consequence: missense variant.
Genome position (GRCh38, 1-based): chr16:89,935,712, G>A. VCF-style: chr16-89935712-G-A. GRCh37 (hg19) VCF-style: chr16-90002120-G-A.
Other names: c.1045G>A, p.Glu349Lys (NM_001197181.2); short protein forms E349K, E421K.
Identifiers: ClinVar variation 1307956 (VCV001307956.3), dbSNP rs2151093126, ClinGen allele CA397477092.
Genomic context (GRCh38, chr16:89,935,712, plus strand): 5'-GAGGGCATGGACGAGATGGAGTTCACCGAGGCCGAGAGCAACATGAACGACCTGGTGTCC[G>A]AGTACCAGCAGTACCAGGACGCCACGGCCGAGGAAGAGGGCGAGATGTACGAAGACGACG-3'
Protein context (NP_006077.2, residues 411-431): AESNMNDLVS[Glu421Lys]YQQYQDATAE

ClinVar aggregate classification (germline): Uncertain significance. Review status: criteria provided, multiple submitters, no conflicts (2 of 4 stars). 2 submissions from 2 submitters: Uncertain significance (2). Last evaluated 2024-07-15.

Submissions (2):

Blueprint Genetics
Classification: Uncertain significance. Last evaluated: 2024-07-15. Review status: criteria provided, single submitter. Criteria: ACMG Guidelines, 2015. Collection method: clinical testing. Allele origin: germline.

GeneDx
Classification: Uncertain significance. Last evaluated: 2019-02-13. Review status: criteria provided, single submitter. Criteria: GeneDx Variant Classification Process June 2021. Collection method: clinical testing. Allele origin: germline. Affected: yes.
Comment: Not observed in large population cohorts (Lek et al., 2016); The majority of missense variants in this gene are considered pathogenic (Stenson et al., 2014); In silico analysis, which includes protein predictors and evolutionary conservation, supports that this variant does not alter protein structure/function; Has not been previously published as pathogenic or benign to our knowledge